The following is an entry in ClinVar:

ClinVar aggregate classification (germline): Uncertain significance (1 of 4 stars; one submission).

Allele frequency attached by ClinVar (database versions not stated): gnomAD exomes below 0.00001; gnomAD 0.00001.
gnomAD v4.1: 5 of 1,613,160 alleles (0.00031%); highest among the groups gnomAD compares: African/African-American, 0.0013%; no homozygotes.

Submission:

Labcorp Genetics (formerly Invitae), Labcorp
Classification: Uncertain significance. Last evaluated: 2022-10-22. Review status: criteria provided, single submitter. Criteria: Invitae Variant Classification Sherloc (09022015). Collection method: clinical testing. Allele origin: germline.
Comment: This sequence change replaces arginine, which is basic and polar, with lysine, which is basic and polar, at codon 1645 of the SORL1 protein (p.Arg1645Lys). This variant is present in population databases (no rsID available, gnomAD 0.004%). In summary, the available evidence is currently insufficient to determine the role of this variant in disease. Therefore, it has been classified as a Variant of Uncertain Significance. Algorithms developed to predict the effect of missense changes on protein structure and function are either unavailable or do not agree on the potential impact of this missense change (SIFT: "Tolerated"; PolyPhen-2: "Probably Damaging"; Align-GVGD: "Class C0"). This variant has not been reported in the literature in individuals affected with SORL1-related conditions.

NM_003105.6(SORL1):c.4934G>A (p.Arg1645Lys)

Gene: SORL1 (sortilin related receptor 1; plus strand). Cytogenetic location: 11q24.1.
Variant type: single nucleotide variant.
Coding change: c.4934G>A on transcript NM_003105.6 (MANE Select); coding-DNA position 4934, G replaced by A.
Protein change: p.Arg1645Lys; replaces arginine 1645 with lysine.
Molecular consequence: missense variant.
Genome position (GRCh38, 1-based): chr11:121,605,557, G>A. VCF-style: chr11-121605557-G-A. GRCh37 (hg19) VCF-style: chr11-121476266-G-A.
Other names: short protein forms R1645K.
Identifiers: ClinVar variation 2798788 (VCV002798788.3), dbSNP rs1244046514, ClinGen allele CA383039425.